The following is an entry in ClinVar:

NM_001164508.2(NEB):c.18410C>T (p.Thr6137Met)

Gene: NEB (nebulin; minus strand). Cytogenetic location: 2q23.3.
Variant type: single nucleotide variant.
Coding change: c.18410C>T on transcript NM_001164508.2 (MANE Select); coding-DNA position 18410, C replaced by T.
Protein change: p.Thr6137Met; replaces threonine 6137 with methionine.
Molecular consequence: missense variant.
Genome position (GRCh38, 1-based): chr2:151,565,105, G>A on the plus strand (C>T on the coding strand, the complement: NEB is on the minus strand). VCF-style: chr2-151565105-G-A. GRCh37 (hg19) VCF-style: chr2-152421619-G-A.
Other names: c.18410C>T, p.Thr6137Met (NM_001164507.2, NM_001271208.2); c.13307C>T, p.Thr4436Met (NM_004543.5); short protein forms T6137M, T4436M.
Identifiers: ClinVar variation 586166 (VCV000586166.19), dbSNP rs201462794, ClinGen allele CA1907962.

ClinVar aggregate classification (germline): Conflicting classifications of pathogenicity. Review status: criteria provided, conflicting classifications (1 of 4 stars). 4 submissions from 4 submitters: Uncertain significance (2); Likely benign (1). 1 of the submissions does not count toward it. Last evaluated 2025-12-26.

Conditions:
Nemaline myopathy 2 (NEM2). Also called: Nemaline myopathy 2, autosomal recessive. Identifiers: MedGen C1850569, MONDO:0009725, OMIM 256030.

Allele frequency attached by ClinVar (database versions not stated): gnomAD exomes 0.00002 and 0.00007; ExAC 0.00013; gnomAD 0.00017 and 0.00019; TOPMed 0.00028; ESP Exome Variant Server 0.00042.
gnomAD v4.1: 63 of 1,598,560 alleles (0.0039%); highest among the groups gnomAD compares: African/African-American, 0.048%; 1 homozygote.

Submissions (4):

Labcorp Genetics (formerly Invitae), Labcorp
Classification: Likely benign for Nemaline myopathy 2. Last evaluated: 2025-12-26. Review status: criteria provided, single submitter. Criteria: Invitae Variant Classification Sherloc (09022015). Collection method: clinical testing. Allele origin: germline.

Revvity Omics, Revvity
Classification: Uncertain significance. Last evaluated: 2024-09-23. Review status: criteria provided, single submitter. Criteria: ACMG Guidelines, 2015. Collection method: clinical testing. Allele origin: germline.

Athena Diagnostics
Classification: Uncertain significance. Last evaluated: 2018-07-20. Review status: criteria provided, single submitter. Criteria: Athena Diagnostics Criteria. Collection method: clinical testing. Allele origin: germline.

Natera, Inc.
Classification: Uncertain significance for Nemaline myopathy type 2. Last evaluated: 2020-01-24. Review status: no assertion criteria provided. Collection method: clinical testing. Allele origin: germline. Not counted in ClinVar's aggregate classification.